The following is an entry in ClinVar:

NM_000719.7(CACNA1C):c.5687G>A (p.Arg1896Lys)

Genes: CACNA1C-AS1 (CACNA1C antisense RNA 1; minus strand), CACNA1C (calcium voltage-gated channel subunit alpha1 C; plus strand). Cytogenetic location: 12p13.33.
Variant type: single nucleotide variant.
Coding change: c.5687G>A on transcript NM_000719.7 (MANE Select); coding-DNA position 5687, G replaced by A.
Protein change: p.Arg1896Lys; replaces arginine 1896 with lysine.
Molecular consequence: missense variant.
Genome position (GRCh38, 1-based): chr12:2,686,172, G>A. VCF-style: chr12-2686172-G-A. GRCh37 (hg19) VCF-style: chr12-2795338-G-A.
Other names: c.5831G>A, p.Arg1944Lys (NM_001129827.2); c.5810G>A, p.Arg1937Lys (NM_001129829.2); c.5792G>A, p.Arg1931Lys (NM_001129830.3, NM_001167624.3); c.5771G>A, p.Arg1924Lys (NM_001129831.2); c.5747G>A, p.Arg1916Lys (NM_001129832.2); c.5744G>A, p.Arg1915Lys (NM_001129833.2, NM_001129834.2, NM_001129835.2); c.5738G>A, p.Arg1913Lys (NM_001129836.2); c.5711G>A, p.Arg1904Lys (NM_001129837.2, NM_001129838.2); and 7 more; short protein forms R1902K, R1915K, R1913K, R1931K, R1893K, R1896K, R1916K, R1956K.
Identifiers: ClinVar variation 1351041 (VCV001351041.7), dbSNP rs2153836170, ClinGen allele CA383382450.
Genomic context (GRCh38, chr12:2,686,172, plus strand): 5'-AGGCCAGTGCCCTGTTTTCCTGCCCTGATGGTGGCTCTCTGGCTGGCTTTGCAGGTCGAA[G>A]GGCCTCCTTCCACCTGGAATGTCTGAAGCGACAGAAGGACCGAGGGGGAGACATCTCTCA-3'
Protein context (NP_000710.5, residues 1886-1906): GFLRSASLGR[Arg1896Lys]ASFHLECLKR

ClinVar aggregate classification (germline): Uncertain significance. Review status: criteria provided, single submitter (1 of 4 stars). 2 submissions from 2 submitters: Uncertain significance (1). 1 of the submissions does not count toward it. Last evaluated 2025-12-07.

Conditions:
Long QT syndrome (LQTS). Identifiers: MedGen C0023976, MeSH D008133, MONDO:0002442. Disease mechanism: loss of function. Inheritance: Various modes of inheritance.
CACNA1C-related disorder. Also called: CACNA1C-related disorders; CACNA1C-related condition. Identifiers: MedGen CN381092, MONDO:0700321.

Submissions (2):

Labcorp Genetics (formerly Invitae), Labcorp
Classification: Uncertain significance for Long QT syndrome. Last evaluated: 2025-12-07. Review status: criteria provided, single submitter. Criteria: Invitae Variant Classification Sherloc (09022015). Collection method: clinical testing. Allele origin: germline.
Comment: This sequence change replaces arginine, which is basic and polar, with lysine, which is basic and polar, at codon 1896 of the CACNA1C protein (p.Arg1896Lys). This variant is not present in population databases (gnomAD no frequency). This variant has not been reported in the literature in individuals affected with CACNA1C-related conditions. ClinVar contains an entry for this variant (Variation ID: 1351041). Invitae Evidence Modeling of protein sequence and biophysical properties (such as structural, functional, and spatial information, amino acid conservation, physicochemical variation, residue mobility, and thermodynamic stability) indicates that this missense variant is not expected to disrupt CACNA1C protein function with a negative predictive value of 95%. In summary, the available evidence is currently insufficient to determine the role of this variant in disease. Therefore, it has been classified as a Variant of Uncertain Significance.

PreventionGenetics, part of Exact Sciences
Classification: Uncertain significance for CACNA1C-related condition. Last evaluated: 2024-08-20. Review status: no assertion criteria provided. Collection method: clinical testing. Allele origin: germline. Not counted in ClinVar's aggregate classification.
Comment: The CACNA1C c.5687G>A variant is predicted to result in the amino acid substitution p.Arg1896Lys. To our knowledge, this variant has not been reported in the literature or in a large population database, indicating this variant is rare. At this time, the clinical significance of this variant is uncertain due to the absence of conclusive functional and genetic evidence.